The following is an entry in ClinVar:

NM_004082.5(DCTN1):c.1891G>C (p.Glu631Gln)

Gene: DCTN1 (dynactin subunit 1; minus strand). Cytogenetic location: 2p13.1.
Variant type: single nucleotide variant.
Coding change: c.1891G>C on transcript NM_004082.5 (MANE Select); coding-DNA position 1891, G replaced by C.
Protein change: p.Glu631Gln; replaces glutamic acid 631 with glutamine.
Molecular consequence: missense variant. On other transcripts: non-coding transcript variant (1).
Genome position (GRCh38, 1-based): chr2:74,368,095, C>G on the plus strand (G>C on the coding strand, the complement: DCTN1 is on the minus strand). VCF-style: chr2-74368095-C-G. GRCh37 (hg19) VCF-style: chr2-74595222-C-G.
Other names: c.1831G>C, p.Glu611Gln (NM_001135040.3); c.1489G>C, p.Glu497Gln (NM_001135041.3, NM_023019.4); c.1780G>C, p.Glu594Gln (NM_001190836.2); c.1870G>C, p.Glu624Gln (NM_001190837.2); c.1840G>C, p.Glu614Gln (NM_001378991.1); c.1822G>C, p.Glu608Gln (NM_001378992.1); short protein forms E614Q, E631Q, E594Q, E611Q, E624Q, E497Q, E608Q.
Identifiers: ClinVar variation 4791794 (VCV004791794.1).

ClinVar aggregate classification (germline): Uncertain significance (1 of 4 stars; one submission).

Conditions:
Amyotrophic lateral sclerosis type 1 (ALS1). Also called: AMYOTROPHIC LATERAL SCLEROSIS 1, FAMILIAL. Identifiers: Orphanet 803, MedGen C1862939, MONDO:0007103, OMIM 105400.
Neuronopathy, distal hereditary motor, type 7B. Also called: HMN VIIB; LOWER MOTOR NEURON DISEASE, DYNACTIN TYPE; NEURONOPATHY, DISTAL HEREDITARY MOTOR, AUTOSOMAL DOMINANT 14; NEURONOPATHY, DISTAL HEREDITARY MOTOR, HARDING TYPE VIIB; NEUROPATHY, DISTAL HEREDITARY MOTOR, HARDING TYPE VIIB; NEUROPATHY, DISTAL HEREDITARY MOTOR, WITH VOCAL CORD PARALYSIS, HARDING TYPE VIIB. Identifiers: Orphanet 139589, MedGen C1843315, MONDO:0011879, OMIM 607641.
Perry syndrome. Also called: PARKINSONISM WITH ALVEOLAR HYPOVENTILATION AND MENTAL DEPRESSION. Identifiers: Orphanet 178509, MedGen C1868594, MONDO:0008201, OMIM 168605.

gnomAD v4.1: 2 of 1,603,010 alleles (0.00012%); highest among the groups gnomAD compares: Admixed American, 0.0034%; no homozygotes.

Submission:

Labcorp Genetics (formerly Invitae), Labcorp
Classification: Uncertain significance for Amyotrophic lateral sclerosis type 1; Neuronopathy, distal hereditary motor, type 7B; Perry syndrome. Last evaluated: 2025-07-10. Review status: criteria provided, single submitter. Criteria: Invitae Variant Classification Sherloc (09022015). Collection method: clinical testing. Allele origin: germline.
Comment: This sequence change replaces glutamic acid, which is acidic and polar, with glutamine, which is neutral and polar, at codon 631 of the DCTN1 protein (p.Glu631Gln). This variant is present in population databases (no rsID available, gnomAD 0.006%). This variant has not been reported in the literature in individuals affected with DCTN1-related conditions. Invitae Evidence Modeling of protein sequence and biophysical properties (such as structural, functional, and spatial information, amino acid conservation, physicochemical variation, residue mobility, and thermodynamic stability) indicates that this missense variant is not expected to disrupt DCTN1 protein function with a negative predictive value of 95%. In summary, the available evidence is currently insufficient to determine the role of this variant in disease. Therefore, it has been classified as a Variant of Uncertain Significance.